The following is an entry in ClinVar:

ClinVar aggregate classification (germline): Pathogenic (1 of 4 stars; one submission).

Conditions:
Brown-Vialetto-van Laere syndrome 2. Also called: SPINOCEREBELLAR ATAXIA WITH BLINDNESS AND DEAFNESS 2; Riboflavin transporter deficiency type 2. Identifiers: Orphanet 572543, Orphanet 97229, MedGen C3553538, MONDO:0013867, OMIM 614707.

Submission:

Labcorp Genetics (formerly Invitae), Labcorp
Classification: Pathogenic for Brown-Vialetto-van Laere syndrome 2. Last evaluated: 2022-10-28. Review status: criteria provided, single submitter. Criteria: Invitae Variant Classification Sherloc (09022015). Collection method: clinical testing. Allele origin: germline.
Comment: This variant disrupts a region of the SLC52A2 protein in which other variant(s) (p.Ala420Thr) have been determined to be pathogenic (PMID: 24253200; Invitae). This suggests that this is a clinically significant region of the protein, and that variants that disrupt it are likely to be disease-causing. For these reasons, this variant has been classified as Pathogenic. ClinVar contains an entry for this variant (Variation ID: 949075). This variant has not been reported in the literature in individuals affected with SLC52A2-related conditions. This variant is not present in population databases (gnomAD no frequency). This sequence change creates a premature translational stop signal (p.Trp379*) in the SLC52A2 gene. While this is not anticipated to result in nonsense mediated decay, it is expected to disrupt the last 67 amino acid(s) of the SLC52A2 protein.

Literature cited by the submitters: PubMed 24253200.

NM_001363118.2(SLC52A2):c.1137G>A (p.Trp379Ter)

Gene: SLC52A2 (solute carrier family 52 member 2; plus strand). Cytogenetic location: 8q24.3.
Variant type: single nucleotide variant.
Coding change: c.1137G>A on transcript NM_001363118.2 (MANE Select); coding-DNA position 1137, G replaced by A.
Protein change: p.Trp379Ter; replaces tryptophan 379 with a stop codon.
Molecular consequence: nonsense. On other transcripts: non-coding transcript variant (1).
Genome position (GRCh38, 1-based): chr8:144,360,814, G>A. VCF-style: chr8-144360814-G-A. GRCh37 (hg19) VCF-style: chr8-145584474-G-A.
Other names: c.1137G>A, p.Trp379Ter (NM_001253815.2, NM_001253816.2, NM_001363120.2 and 2 more transcripts); c.645G>A, p.Trp215Ter (NM_001363122.2); short protein forms W215*, W379*.
Identifiers: ClinVar variation 949075 (VCV000949075.7), dbSNP rs782764685, ClinGen allele CA372629308.